The following is an entry in ClinVar:

NM_002528.7(NTHL1):c.661G>T (p.Ala221Ser)

Gene: NTHL1 (nth like DNA glycosylase 1; minus strand). Cytogenetic location: 16p13.3.
Variant type: single nucleotide variant.
Coding change: c.661G>T on transcript NM_002528.7 (MANE Select); coding-DNA position 661, G replaced by T.
Protein change: p.Ala221Ser; replaces alanine 221 with serine.
Molecular consequence: missense variant.
Genome position (GRCh38, 1-based): chr16:2,043,591, C>A on the plus strand (G>T on the coding strand, the complement: NTHL1 is on the minus strand). VCF-style: chr16-2043591-C-A. GRCh37 (hg19) VCF-style: chr16-2093592-C-A.
Other names: c.661G>T, p.Ala221Ser (LRG_1366t1); c.490G>T, p.Ala164Ser (NM_001318193.2); c.331G>T, p.Ala111Ser (NM_001318194.2); short protein forms A164S, A221S, A111S.
Identifiers: ClinVar variation 654726 (VCV000654726.10), dbSNP rs1596219280, ClinGen allele CA394290982.

ClinVar aggregate classification (germline): Uncertain significance. Review status: criteria provided, multiple submitters, no conflicts (2 of 4 stars). 4 submissions from 4 submitters: Uncertain significance (4). Last evaluated 2025-12-10.

Conditions:
Familial adenomatous polyposis 3. Also called: NTHL1-Related Adenomatous Polyposis and Colorectal Cancer; NTHL1-associated polyposis; NTHL1-related attenuated familial adenomatous polyposis; NTHL1 Tumor Syndrome. Identifiers: Orphanet 220460, Orphanet 454840, MedGen C4225157, MONDO:0014630, OMIM 616415.
Hereditary cancer-predisposing syndrome. Also called: Tumor predisposition; Neoplastic Syndromes, Hereditary; Hereditary Cancer Syndrome; Hereditary neoplastic syndrome. Identifiers: Orphanet 140162, MedGen C0027672, MeSH D009386, MONDO:0015356.

Allele frequency attached by ClinVar (database versions not stated): TOPMed below 0.00001.
gnomAD v4.1: 1 of 1,608,956 alleles (0.000062%); highest among the groups gnomAD compares: Non-Finnish European, 0.000085%; no homozygotes.

Submissions (4):

Labcorp Genetics (formerly Invitae), Labcorp
Classification: Uncertain significance. Last evaluated: 2025-12-10. Review status: criteria provided, single submitter. Criteria: Invitae Variant Classification Sherloc (09022015). Collection method: clinical testing. Allele origin: germline.
Comment: This sequence change replaces alanine, which is neutral and non-polar, with serine, which is neutral and polar, at codon 229 of the NTHL1 protein (p.Ala229Ser). This variant is not present in population databases (gnomAD no frequency). This variant has not been reported in the literature in individuals affected with NTHL1-related conditions. ClinVar contains an entry for this variant (Variation ID: 654726). An algorithm developed to predict the effect of missense changes on protein structure and function (PolyPhen-2) suggests that this variant is likely to be disruptive. In summary, the available evidence is currently insufficient to determine the role of this variant in disease. Therefore, it has been classified as a Variant of Uncertain Significance.

Ambry Genetics
Classification: Uncertain significance for Hereditary cancer-predisposing syndrome. Last evaluated: 2024-01-31. Review status: criteria provided, single submitter. Criteria: Ambry Variant Classification Scheme 2023. Collection method: clinical testing. Allele origin: germline.
Comment: The p.A229S variant (also known as c.685G>T), located in coding exon 4 of the NTHL1 gene, results from a G to T substitution at nucleotide position 685. The alanine at codon 229 is replaced by serine, an amino acid with similar properties. This amino acid position is well conserved in available vertebrate species. In addition, this alteration is predicted to be deleterious by in silico analysis. Since supporting evidence is limited at this time, the clinical significance of this alteration remains unclear.

Baylor Genetics
Classification: Uncertain significance for Familial adenomatous polyposis 3. Last evaluated: 2023-10-24. Review status: criteria provided, single submitter. Criteria: ACMG Guidelines, 2015. Collection method: clinical testing. Allele origin: unknown.

GeneDx
Classification: Uncertain significance. Last evaluated: 2022-08-24. Review status: criteria provided, single submitter. Criteria: GeneDx Variant Classification Process June 2021. Collection method: clinical testing. Allele origin: germline. Affected: yes.
Comment: Not observed at significant frequency in large population cohorts (gnomAD); In silico analysis supports that this missense variant has a deleterious effect on protein structure/function; Has not been previously published as pathogenic or benign to our knowledge